The following is an entry in ClinVar:

NM_015189.3(EXOC6B):c.73A>G (p.Ile25Val)

Gene: EXOC6B (exocyst complex component 6B; minus strand). Cytogenetic location: 2p13.2.
Variant type: single nucleotide variant.
Coding change: c.73A>G on transcript NM_015189.3 (MANE Select); coding-DNA position 73, A replaced by G.
Protein change: p.Ile25Val; replaces isoleucine 25 with valine.
Molecular consequence: missense variant. On other transcripts: 5 prime UTR variant (1), non-coding transcript variant (2).
Genome position (GRCh38, 1-based): chr2:72,825,838, T>C on the plus strand (A>G on the coding strand, the complement: EXOC6B is on the minus strand). VCF-style: chr2-72825838-T-C. GRCh37 (hg19) VCF-style: chr2-73052967-T-C.
Other names: c.73A>G, p.Ile25Val (NM_001321729.2, NM_001321730.2, NM_001321731.2 and 1 more transcripts); c.-101A>G (NM_001321734.2); c.73A>G (NM_015189.1); short protein forms I25V.
Identifiers: ClinVar variation 1442000 (VCV001442000.6), dbSNP rs1408412166, ClinGen allele CA347432337.

ClinVar aggregate classification (germline): Uncertain significance. Review status: criteria provided, multiple submitters, no conflicts (2 of 4 stars). 2 submissions from 2 submitters: Uncertain significance (2). Last evaluated 2025-05-25.

Allele frequency attached by ClinVar (database versions not stated): gnomAD exomes below 0.00001 and 0.00002; TOPMed 0.00003; gnomAD 0.00008.
gnomAD v4.1: 19 of 1,613,404 alleles (0.0012%); highest among the groups gnomAD compares: Admixed American, 0.025%; no homozygotes.

Submissions (2):

Ambry Genetics
Classification: Uncertain significance. Last evaluated: 2025-05-25. Review status: criteria provided, single submitter. Criteria: Ambry Variant Classification Scheme 2023. Collection method: clinical testing. Allele origin: germline.

Labcorp Genetics (formerly Invitae), Labcorp
Classification: Uncertain significance. Last evaluated: 2024-10-22. Review status: criteria provided, single submitter. Criteria: Invitae Variant Classification Sherloc (09022015). Collection method: clinical testing. Allele origin: germline.
Comment: This sequence change replaces isoleucine, which is neutral and non-polar, with valine, which is neutral and non-polar, at codon 25 of the EXOC6B protein (p.Ile25Val). This variant is present in population databases (no rsID available, gnomAD 0.01%). This variant has not been reported in the literature in individuals affected with EXOC6B-related conditions. ClinVar contains an entry for this variant (Variation ID: 1442000). Experimental studies and prediction algorithms are not available or were not evaluated, and the functional significance of this variant is currently unknown. In summary, the available evidence is currently insufficient to determine the role of this variant in disease. Therefore, it has been classified as a Variant of Uncertain Significance.